The following is an entry in ClinVar:

NM_001365276.2(TNXB):c.2863C>T (p.Leu955Phe)

Gene: TNXB (tenascin XB; minus strand). Cytogenetic location: 6p21.33.
Variant type: single nucleotide variant.
Coding change: c.2863C>T on transcript NM_001365276.2 (MANE Select); coding-DNA position 2863, C replaced by T.
Protein change: p.Leu955Phe; replaces leucine 955 with phenylalanine.
Molecular consequence: missense variant.
Genome position (GRCh38, 1-based): chr6:32,086,035, G>A on the plus strand (C>T on the coding strand, the complement: TNXB is on the minus strand). VCF-style: chr6-32086035-G-A. GRCh37 (hg19) VCF-style: chr6-32053812-G-A.
Other names: c.2863C>T, p.Leu955Phe (NM_019105.8); short protein forms L955F.
Identifiers: ClinVar variation 1796983 (VCV001796983.3), dbSNP rs1171496996, ClinGen allele CA363450382.

ClinVar aggregate classification (germline): Uncertain significance. Review status: criteria provided, multiple submitters, no conflicts (2 of 4 stars). 2 submissions from 2 submitters: Uncertain significance (2). Last evaluated 2024-03-05.

Conditions:
Cardiovascular phenotype. Identifiers: MedGen CN230736.

Allele frequency attached by ClinVar (database versions not stated): gnomAD 0.00001; TOPMed 0.00003.
gnomAD v4.1: 12 of 1,604,922 alleles (0.00075%); highest among the groups gnomAD compares: Non-Finnish European, 0.001%; no homozygotes.

Submissions (2):

GeneDx
Classification: Uncertain significance. Last evaluated: 2024-03-05. Review status: criteria provided, single submitter. Criteria: GeneDx Variant Classification Process June 2021. Collection method: clinical testing. Allele origin: germline. Affected: yes.
Comment: Not observed at significant frequency in large population cohorts (gnomAD); In silico analysis supports that this missense variant does not alter protein structure/function; Has not been previously published as pathogenic or benign to our knowledge

Ambry Genetics
Classification: Uncertain significance for Cardiovascular phenotype. Last evaluated: 2021-09-30. Review status: criteria provided, single submitter. Criteria: Ambry Variant Classification Scheme 2023. Collection method: clinical testing. Allele origin: germline.
Comment: The p.L955F variant (also known as c.2863C>T), located in coding exon 6 of the TNXB gene, results from a C to T substitution at nucleotide position 2863. The leucine at codon 955 is replaced by phenylalanine, an amino acid with highly similar properties. This amino acid position is conserved. In addition, this alteration is predicted to be tolerated by in silico analysis. Since supporting evidence is limited at this time, the clinical significance of this alteration remains unclear.